The following is an entry in ClinVar:

NM_022765.4(MICAL1):c.1847A>C (p.His616Pro)

Gene: MICAL1 (microtubule associated monooxygenase, calponin and LIM domain containing 1; minus strand). Cytogenetic location: 6q21.
Variant type: single nucleotide variant.
Coding change: c.1847A>C on transcript NM_022765.4 (MANE Select); coding-DNA position 1847, A replaced by C.
Protein change: p.His616Pro; replaces histidine 616 with proline.
Molecular consequence: missense variant.
Genome position (GRCh38, 1-based): chr6:109,448,211, T>G on the plus strand (A>C on the coding strand, the complement: MICAL1 is on the minus strand). VCF-style: chr6-109448211-T-G. GRCh37 (hg19) VCF-style: chr6-109769414-T-G.
Other names: c.1589A>C, p.His530Pro (NM_001159291.2); c.1904A>C, p.His635Pro (NM_001286613.2); short protein forms H616P, H635P, H530P.
Identifiers: ClinVar variation 2129842 (VCV002129842.4), dbSNP rs1775334034, ClinGen allele CA365227001.

ClinVar aggregate classification (germline): Uncertain significance (1 of 4 stars; one submission).

Submission:

Labcorp Genetics (formerly Invitae), Labcorp
Classification: Uncertain significance. Last evaluated: 2022-04-23. Review status: criteria provided, single submitter. Criteria: Invitae Variant Classification Sherloc (09022015). Collection method: clinical testing. Allele origin: germline.
Comment: Algorithms developed to predict the effect of missense changes on protein structure and function output the following: SIFT: "Tolerated"; PolyPhen-2: "Benign"; Align-GVGD: "Class C0". The proline amino acid residue is found in multiple mammalian species, which suggests that this missense change does not adversely affect protein function. In summary, the available evidence is currently insufficient to determine the role of this variant in disease. Therefore, it has been classified as a Variant of Uncertain Significance. This sequence change replaces histidine, which is basic and polar, with proline, which is neutral and non-polar, at codon 635 of the MICAL1 protein (p.His635Pro). This variant is not present in population databases (gnomAD no frequency). This variant has not been reported in the literature in individuals affected with MICAL1-related conditions.